The following is an entry in ClinVar:

NM_002206.3(ITGA7):c.790+188A>G

Gene: ITGA7 (integrin subunit alpha 7; minus strand). Cytogenetic location: 12q13.2.
Variant type: single nucleotide variant.
Coding change: c.790+188A>G on transcript NM_002206.3 (MANE Select); 188 bases into the intron after coding-DNA position 790, A replaced by G.
Molecular consequence: intron variant.
Genome position (GRCh38, 1-based): chr12:55,699,682, T>C on the plus strand (A>G on the coding strand, the complement: ITGA7 is on the minus strand). VCF-style: chr12-55699682-T-C. GRCh37 (hg19) VCF-style: chr12-56093466-T-C.
Other names: c.511+580A>G (NM_001144997.2); c.463+580A>G (NM_001367993.1); c.451+188A>G (NM_001414035.1); c.607+188A>G (NM_001414033.1); c.-502-765A>G (NM_001367994.1); c.671-765A>G (NM_001414032.1); c.790+188A>G (NM_001414031.1, NM_001374465.1, NM_001414034.1); c.802+580A>G (NM_001414030.1, NM_001414029.1, NM_001144996.2); and 1 more.
Identifiers: ClinVar variation 682020 (VCV000682020.1), dbSNP rs111450088, ClinGen allele CA237576231.

ClinVar aggregate classification (germline): Benign (1 of 4 stars; one submission).

Allele frequency attached by ClinVar (database versions not stated): gnomAD exomes 0.00476; gnomAD 0.04155 and 0.04473; 1000 Genomes Project 0.04293; 1000 Genomes Project 30x 0.04497; TOPMed 0.04744.
gnomAD v4.1: 9,165 of 724,718 alleles (1.3%); highest among the groups gnomAD compares: African/African-American, 14%; 618 homozygotes.

Submission:

GeneDx
Classification: Benign. Last evaluated: 2018-06-16. Review status: criteria provided, single submitter. Criteria: GeneDx Variant Classification (06012015). Collection method: clinical testing. Allele origin: germline. Affected: yes.
Comment: This variant is considered likely benign or benign based on one or more of the following criteria: it is a conservative change, it occurs at a poorly conserved position in the protein, it is predicted to be benign by multiple in silico algorithms, and/or has population frequency not consistent with disease.